The following is an entry in ClinVar:

ClinVar aggregate classification (germline): Likely benign (0 of 4 stars; one submission).

Conditions:
FIBP-related disorder. Also called: FIBP-related condition.

Allele frequency attached by ClinVar (database versions not stated): ExAC 0.00007; ESP Exome Variant Server 0.00008; TOPMed 0.00011; gnomAD 0.00015.
gnomAD v4.1: 247 of 1,614,036 alleles (0.015%); highest among the groups gnomAD compares: Non-Finnish European, 0.02%; no homozygotes.

Submission:

PreventionGenetics, part of Exact Sciences
Classification: Likely benign for FIBP-related condition. Last evaluated: 2019-12-16. Review status: no assertion criteria provided. Collection method: clinical testing. Allele origin: germline.
Comment: This variant is classified as likely benign based on ACMG/AMP sequence variant interpretation guidelines (Richards et al. 2015 PMID: 25741868, with internal and published modifications).

NM_004214.5(FIBP):c.963G>A (p.Leu321=)

Gene: FIBP (FGF1 intracellular binding protein; minus strand). Cytogenetic location: 11q13.1.
Variant type: single nucleotide variant.
Coding change: c.963G>A on transcript NM_004214.5 (MANE Select); coding-DNA position 963, G replaced by A.
Protein change: p.Leu321=; no amino-acid change (leucine 321 retained).
Molecular consequence: synonymous variant.
Genome position (GRCh38, 1-based): chr11:65,884,433, C>T on the plus strand (G>A on the coding strand, the complement: FIBP is on the minus strand). VCF-style: chr11-65884433-C-T. GRCh37 (hg19) VCF-style: chr11-65651904-C-T.
Other names: c.984G>A, p.Leu328= (NM_198897.2).
Identifiers: ClinVar variation 3048041 (VCV003048041.2), dbSNP rs370619260, ClinGen allele CA6111332.